The following is an entry in ClinVar:

ClinVar aggregate classification (germline): Uncertain significance (1 of 4 stars; one submission).

Conditions:
Baller-Gerold syndrome (BGS). Also called: CRANIOSYNOSTOSIS WITH RADIAL DEFECTS. Identifiers: Orphanet 1225, MedGen C0265308, MONDO:0009039, OMIM 218600.

Allele frequency attached by ClinVar (database versions not stated): TOPMed below 0.00001.

Submission:

Labcorp Genetics (formerly Invitae), Labcorp
Classification: Uncertain significance for Baller-Gerold syndrome. Last evaluated: 2023-06-25. Review status: criteria provided, single submitter. Criteria: Invitae Variant Classification Sherloc (09022015). Collection method: clinical testing. Allele origin: germline.
Comment: In summary, the available evidence is currently insufficient to determine the role of this variant in disease. Therefore, it has been classified as a Variant of Uncertain Significance. Experimental studies and prediction algorithms are not available or were not evaluated, and the functional significance of this variant is currently unknown. This sequence change replaces glutamic acid, which is acidic and polar, with lysine, which is basic and polar, at codon 15 of the RECQL4 protein (p.Glu15Lys). This variant is not present in population databases (gnomAD no frequency). This variant has not been reported in the literature in individuals affected with RECQL4-related conditions. ClinVar contains an entry for this variant (Variation ID: 2166985).

NM_004260.4(RECQL4):c.43G>A (p.Glu15Lys)

Genes: RECQL4 (RecQ like helicase 4; minus strand), LOC130001411 (ATAC-STARR-seq lymphoblastoid silent region 19699; plus strand). Cytogenetic location: 8q24.3.
Variant type: single nucleotide variant.
Coding change: c.43G>A on transcript NM_004260.4 (MANE Select); coding-DNA position 43, G replaced by A.
Protein change: p.Glu15Lys; replaces glutamic acid 15 with lysine.
Molecular consequence: missense variant.
Genome position (GRCh38, 1-based): chr8:144,517,742, C>T on the plus strand (G>A on the coding strand, the complement: RECQL4 is on the minus strand). VCF-style: chr8-144517742-C-T. GRCh37 (hg19) VCF-style: chr8-145743126-C-T.
Other names: c.43G>A, p.Glu15Lys (NM_001413017.1, NM_001413018.1, NM_001413019.1 and 6 more transcripts); c.-743G>A (NM_001413021.1); c.-1094G>A (NM_001413022.1, NM_001413023.1, NM_001413037.1 and 2 more transcripts); c.-991G>A (NM_001413024.1); c.-1091G>A (NM_001413027.1); c.-819G>A (NM_001413028.1); c.-1156G>A (NM_001413030.1, NM_001413031.1, NM_001413041.1); c.-988G>A (NM_001413032.1); and 4 more; short protein forms E15K.
Identifiers: ClinVar variation 2166985 (VCV002166985.4), dbSNP rs1476550062, ClinGen allele CA372693842.